The following is an entry in ClinVar:

ClinVar aggregate classification (germline): Uncertain significance (1 of 4 stars; one submission).

gnomAD v4.1: 20 of 1,613,936 alleles (0.0012%); highest among the groups gnomAD compares: Non-Finnish European, 0.0016%; no homozygotes.

Submission:

Greenwood Genetic Center Diagnostic Laboratories, Greenwood Genetic Center
Classification: Uncertain significance. Last evaluated: 2025-02-19. Review status: criteria provided, single submitter. Criteria: ACMG Guidelines, 2015. Collection method: clinical testing. Allele origin: germline.
Comment: PM2, PP3

NM_015465.5(GEMIN5):c.3615C>G (p.Cys1205Trp)

Gene: GEMIN5 (gem nuclear organelle associated protein 5; minus strand). Cytogenetic location: 5q33.2.
Variant type: single nucleotide variant.
Coding change: c.3615C>G on transcript NM_015465.5 (MANE Select); coding-DNA position 3615, C replaced by G.
Protein change: p.Cys1205Trp; replaces cysteine 1205 with tryptophan.
Molecular consequence: missense variant.
Genome position (GRCh38, 1-based): chr5:154,892,532, G>C on the plus strand (C>G on the coding strand, the complement: GEMIN5 is on the minus strand). VCF-style: chr5-154892532-G-C. GRCh37 (hg19) VCF-style: chr5-154272092-G-C.
Other names: c.3612C>G, p.Cys1204Trp (NM_001252156.2); short protein forms C1204W, C1205W.
Identifiers: ClinVar variation 4851646 (VCV004851646.1).